The following is an entry in ClinVar:

ClinVar aggregate classification (germline): Uncertain significance. Review status: reviewed by expert panel (3 of 4 stars). 6 submissions from 6 submitters: Uncertain significance (1). 5 of the submissions do not count toward it. Last evaluated 2024-04-02.

Conditions:
Glycogen storage disease, type II (IOPD). Also called: CARDIOMEGALIA GLYCOGENICA DIFFUSA; POMPE DISEASE, INFANTILE-ONSET; GLYCOGEN STORAGE DISEASE II, INFANTILE-ONSET; ACID ALPHA-GLUCOSIDASE DEFICIENCY, INFANTILE-ONSET; GAA DEFICIENCY, INFANTILE-ONSET; ACID MALTASE DEFICIENCY, INFANTILE-ONSET. Identifiers: Orphanet 365, MedGen C0017921, MONDO:0009290, OMIM 232300.

Allele frequency attached by ClinVar (database versions not stated): TOPMed 0.00001; gnomAD 0.00002 and below 0.00001; ExAC 0.00014; gnomAD exomes 0.00015.
gnomAD v4.1: 91 of 1,613,128 alleles (0.0056%); highest among the groups gnomAD compares: South Asian, 0.093%; 2 homozygotes.

Submissions (6):

ClinGen Lysosomal Storage Disorder Variant Curation Expert Panel
Classification: Uncertain significance for Glycogen storage disease, type II. Last evaluated: 2024-04-02. Review status: reviewed by expert panel. Criteria: clingen_lsd_acmg_specifications_v2-1. Collection method: curation. Allele origin: germline. Inheritance: Autosomal recessive inheritance.
Comment: The NM_000152.5:c.1346C>T variant in GAA is a missense variant predicted to cause substitution of serine with leucine at amino acid 449 (p.Ser449Leu). The highest population minor allele frequency in gnomAD v2.1.1. is 0.001177 (36/30594 alleles), including 2 homozygotes, in the South Asian population, which is lower than the ClinGen Lysosomal Diseases VCEP’s threshold for PM2_Supporting (<0.001), meeting this criterion. Three patient(s) with this variant had documented GAA deficiency with activity in the affected range in muscle, cultured skin fibroblasts, leukocytes, lymphocytes, whole blood or dried blood spot (PMIDs 33202836, 33301762). However, due to the frequency of homozygotes in gnomAD, PP4 was not applied. The computational predictor REVEL gives a score of 0.307 which is below the threshold of 0.5, evidence that does not predict a damaging effect on GAA function (BP4). There is a ClinVar entry for this variant (Variation ID: 714463, 1-star review status) with one submitter classifying as likely benign and one classifying as a variant of uncertain significance. In summary, this variant meets the criteria to be classified as a variant of uncertain significance for Pompe disease based on the ACMG/AMP criteria applied, as specified by the ClinGen Lysosomal Diseases Variant Curation Expert Panel (specifications Version 2.0): PM2_Supporting, BP4. (Classification approved by the ClinGen Lysosomal Diseases Variant Curation Expert Panel on April 2, 2024).

Department of Medical Genetics, All India Institute of Medical Sciences, Bhopal
Classification: VUS-high for Glycogen storage disease, type II. Last evaluated: 2026-07-02. Review status: criteria provided, single submitter. Criteria: ACMG Guidelines, 2015. Collection method: clinical testing. Allele origin: germline. Inheritance: Autosomal recessive inheritance. Affected: yes. Observed: 1 variant allele, 1 homozygote. Not counted in ClinVar's aggregate classification.
Comment: Extremely low frequency in gnomAD population databases (PM2 moderate), and Missense variant in a gene with low rate of benign missense mutations and for which missense mutation is a common mechanism of a disease (PP2 supporting). Parental segregation analyses awaited. franklin tool

Genomenon, Inc
Classification: Uncertain significance for Glycogen storage disease, type II. Last evaluated: 2026-07-01. Review status: criteria provided, single submitter. Criteria: Genomenon Sequence Variant Interpretation Standards - Updated. Collection method: curation. Allele origin: germline. Affected: yes. Not counted in ClinVar's aggregate classification.
Comment: GAA p.Ser449Leu (c.1346C>T) is a missense variant that changes the amino acid at codon 449 from Serine to Leucine. This variant has been observed in at least one proband with a GAA-related disorder in the compound heterozygous and/or homozygous state (PMID:33073003;33301762). In silico models predict that this variant is not damaging. In conclusion, we classify GAA p.Ser449Leu (c.1346C>T) as a variant of uncertain significance.

Labcorp Genetics (formerly Invitae), Labcorp
Classification: Likely benign for Glycogen storage disease, type II. Last evaluated: 2026-01-04. Review status: criteria provided, single submitter. Criteria: Invitae Variant Classification Sherloc (09022015). Collection method: clinical testing. Allele origin: germline. Not counted in ClinVar's aggregate classification.

Revvity Omics, Revvity
Classification: Uncertain significance. Last evaluated: 2025-05-07. Review status: criteria provided, single submitter. Criteria: ACMG Guidelines, 2015. Collection method: clinical testing. Allele origin: germline. Not counted in ClinVar's aggregate classification.

Mayo Clinic Laboratories, Mayo Clinic
Classification: Uncertain significance. Last evaluated: 2024-05-31. Review status: criteria provided, single submitter. Criteria: ACMG Guidelines, 2015. Collection method: clinical testing. Allele origin: germline. Observed: 1 variant allele. Not counted in ClinVar's aggregate classification.

Literature cited by the submitters: PubMed 33073003 (cited by Genomenon, Inc and Mayo Clinic Laboratories, Mayo Clinic); PubMed 33301762 (cited by Genomenon, Inc and Mayo Clinic Laboratories, Mayo Clinic).

NM_000152.5(GAA):c.1346C>T (p.Ser449Leu)

Gene: GAA (alpha glucosidase; plus strand). Cytogenetic location: 17q25.3.
Variant type: single nucleotide variant.
Coding change: c.1346C>T on transcript NM_000152.5 (MANE Select); coding-DNA position 1346, C replaced by T.
Protein change: p.Ser449Leu; replaces serine 449 with leucine.
Molecular consequence: missense variant.
Genome position (GRCh38, 1-based): chr17:80,109,964, C>T. VCF-style: chr17-80109964-C-T. GRCh37 (hg19) VCF-style: chr17-78083763-C-T.
Other names: NM_000152.5(GAA):c.1346C>T; p.Ser449Leu; c.1346C>T, p.Ser449Leu (NM_001079803.3, NM_001079804.3); short protein forms S449L.
Identifiers: ClinVar variation 714463 (VCV000714463.17), dbSNP rs753483808, ClinGen allele CA8815292.